The following is an entry in ClinVar:

NM_170707.4(LMNA):c.1924G>T (p.Val642Phe)

Gene: LMNA (lamin A/C; plus strand). Cytogenetic location: 1q22.
Variant type: single nucleotide variant.
Coding change: c.1924G>T on transcript NM_170707.4 (MANE Select); coding-DNA position 1924, G replaced by T.
Protein change: p.Val642Phe; replaces valine 642 with phenylalanine.
Molecular consequence: missense variant. On other transcripts: intron variant (1).
Genome position (GRCh38, 1-based): chr1:156,138,713, G>T. VCF-style: chr1-156138713-G-T. GRCh37 (hg19) VCF-style: chr1-156108504-G-T.
Other names: c.1834G>T, p.Val612Phe (NM_170708.4); c.1818+106G>T (NM_001282626.2); c.1588G>T, p.Val530Phe (NM_001257374.3, NM_001406989.1); c.1924G>T, p.Val642Phe (NM_001406983.1, NM_001406985.1, NM_001406991.1); c.1681G>T, p.Val561Phe (NM_001406986.1, NM_001406987.1); c.1627G>T, p.Val543Phe (NM_001406988.1); c.1366G>T, p.Val456Phe (NM_001406990.1, NM_001406993.1, NM_001406995.1 and 2 more transcripts); c.1300G>T, p.Val434Phe (NM_001406994.1, NM_001406999.1, NM_001407000.1 and 1 more transcripts); short protein forms V434F, V456F, V530F, V543F, V561F, V612F, V642F.
Identifiers: ClinVar variation 1713743 (VCV001713743.5), dbSNP rs551309521, ClinGen allele CA342827969.
Genomic context (GRCh38, chr1:156,138,713, plus strand): 5'-GTCACTCGCAGCTACCGCAGTGTGGGGGGCAGTGGGGGTGGCAGCTTCGGGGACAATCTG[G>T]TCACCCGCTCCTACCTCCTGGGCAACTCCAGCCCCCGAACCCAGGTGAGTTGTCTCTGCT-3'
Protein context (NP_733821.1, residues 632-652): SGGGSFGDNL[Val642Phe]TRSYLLGNSS

ClinVar aggregate classification (germline): Uncertain significance (1 of 4 stars; one submission).

Conditions:
Charcot-Marie-Tooth disease type 2. Also called: Charcot-Marie-Tooth type 2. Identifiers: Orphanet 64746, MedGen C0270914, MONDO:0018993.

Allele frequency attached by ClinVar (database versions not stated): gnomAD exomes below 0.00001.

Submission:

Labcorp Genetics (formerly Invitae), Labcorp
Classification: Uncertain significance for Charcot-Marie-Tooth disease type 2. Last evaluated: 2022-07-25. Review status: criteria provided, single submitter. Criteria: Invitae Variant Classification Sherloc (09022015). Collection method: clinical testing. Allele origin: germline.
Comment: This sequence change replaces valine, which is neutral and non-polar, with phenylalanine, which is neutral and non-polar, at codon 642 of the LMNA protein (p.Val642Phe). This variant is not present in population databases (gnomAD no frequency). This variant has not been reported in the literature in individuals affected with LMNA-related conditions. Algorithms developed to predict the effect of missense changes on protein structure and function are either unavailable or do not agree on the potential impact of this missense change (SIFT: "Deleterious"; PolyPhen-2: "Benign"; Align-GVGD: "Class C0"). In summary, the available evidence is currently insufficient to determine the role of this variant in disease. Therefore, it has been classified as a Variant of Uncertain Significance.